The following is an entry in ClinVar:

ClinVar aggregate classification (germline): Uncertain significance. Review status: criteria provided, multiple submitters, no conflicts (2 of 4 stars). 3 submissions from 3 submitters: Uncertain significance (3). Last evaluated 2025-04-21.

Conditions:
Hypogonadotropic hypogonadism 21 with or without anosmia (HH21). Also called: HYPOGONADOTROPIC HYPOGONADISM 21 WITH ANOSMIA. Identifiers: Orphanet 478, MedGen C3808986, MONDO:0014107, OMIM 615271.

Allele frequency attached by ClinVar (database versions not stated): gnomAD 0.00009; gnomAD exomes 0.00011 and 0.00012; TOPMed 0.00011; ExAC 0.00014.
gnomAD v4.1: 203 of 1,613,890 alleles (0.013%); highest among the groups gnomAD compares: Middle Eastern, 0.15%; no homozygotes.

Submissions (3):

Labcorp Genetics (formerly Invitae), Labcorp
Classification: Uncertain significance. Last evaluated: 2025-04-21. Review status: criteria provided, single submitter. Criteria: Invitae Variant Classification Sherloc (09022015). Collection method: clinical testing. Allele origin: germline.
Comment: This sequence change replaces threonine, which is neutral and polar, with serine, which is neutral and polar, at codon 419 of the FLRT3 protein (p.Thr419Ser). This variant is present in population databases (rs769008665, gnomAD 0.02%). This missense change has been observed in individual(s) with hypogonadotropic hypogonadism (PMID: 30835274). ClinVar contains an entry for this variant (Variation ID: 1029224). Invitae Evidence Modeling of protein sequence and biophysical properties (such as structural, functional, and spatial information, amino acid conservation, physicochemical variation, residue mobility, and thermodynamic stability) indicates that this missense variant is not expected to disrupt FLRT3 protein function with a negative predictive value of 80%. In summary, the available evidence is currently insufficient to determine the role of this variant in disease. Therefore, it has been classified as a Variant of Uncertain Significance.

Baylor Genetics
Classification: Uncertain significance for Hypogonadotropic hypogonadism 21 with or without anosmia. Last evaluated: 2019-09-29. Review status: criteria provided, single submitter. Criteria: ACMG Guidelines, 2015. Collection method: clinical testing. Allele origin: unknown. Affected: yes.
Comment: This variant was determined to be of uncertain significance according to ACMG Guidelines, 2015 [PMID:25741868].

Breakthrough Genomics
Classification: Uncertain significance. Review status: criteria provided, single submitter. Criteria: ACMG Guidelines, 2015. Collection method: not provided. Allele origin: germline. Inheritance: Autosomal dominant inheritance. Affected: yes.

Literature cited by the submitters: PubMed 30835274 (cited by Labcorp Genetics (formerly Invitae), Labcorp).

NM_198391.3(FLRT3):c.1255A>T (p.Thr419Ser)

Genes: FLRT3 (fibronectin leucine rich transmembrane protein 3; minus strand), MACROD2 (mono-ADP ribosylhydrolase 2; plus strand). Cytogenetic location: 20p12.1.
Variant type: single nucleotide variant.
Coding change: c.1255A>T on transcript NM_198391.3 (MANE Select); coding-DNA position 1255, A replaced by T.
Protein change: p.Thr419Ser; replaces threonine 419 with serine.
Molecular consequence: missense variant. On other transcripts: intron variant (3).
Genome position (GRCh38, 1-based): chr20:14,326,252, T>A on the plus strand (A>T on the coding strand, the complement: FLRT3 is on the minus strand). VCF-style: chr20-14326252-T-A. GRCh37 (hg19) VCF-style: chr20-14306898-T-A.
Other names: c.1255A>T, p.Thr419Ser (NM_013281.4); c.272-167227T>A (NM_001351661.2, NM_001351663.2, NM_080676.6); short protein forms T419S.
Identifiers: ClinVar variation 1029224 (VCV001029224.6), dbSNP rs769008665, ClinGen allele CA9768927.